The following is an entry in ClinVar:

ClinVar aggregate classification (germline): Uncertain significance (1 of 4 stars; one submission).

Conditions:
Familial cancer of breast. Also called: hereditary breast carcinoma; BREAST CANCER, FAMILIAL; Hereditary breast cancer. Identifiers: Orphanet 227535, MedGen C0346153, MONDO:0016419, OMIM 114480. Disease mechanism: loss of function.
Fanconi anemia complementation group J. Also called: BRIP1-Related Fanconi Anemia. Identifiers: Orphanet 84, MedGen C1836860, MONDO:0012187, OMIM 609054.

Submission:

Labcorp Genetics (formerly Invitae), Labcorp
Classification: Uncertain significance for Familial cancer of breast; Fanconi anemia complementation group J. Last evaluated: 2020-03-04. Review status: criteria provided, single submitter. Criteria: Invitae Variant Classification Sherloc (09022015). Collection method: clinical testing. Allele origin: germline.
Comment: In summary, the available evidence is currently insufficient to determine the role of this variant in disease. Therefore, it has been classified as a Variant of Uncertain Significance. Algorithms developed to predict the effect of missense changes on protein structure and function are either unavailable or do not agree on the potential impact of this missense change (SIFT: "Deleterious"; PolyPhen-2: "Probably Damaging"; Align-GVGD: "Class C15"). This variant has not been reported in the literature in individuals with BRIP1-related conditions. This variant is not present in population databases (ExAC no frequency). This sequence change replaces cysteine with phenylalanine at codon 684 of the BRIP1 protein (p.Cys684Phe). The cysteine residue is highly conserved and there is a large physicochemical difference between cysteine and phenylalanine.

NM_032043.3(BRIP1):c.2051G>T (p.Cys684Phe)

Gene: BRIP1 (BRCA1 interacting DNA helicase 1; minus strand). Cytogenetic location: 17q23.2.
Variant type: single nucleotide variant.
Coding change: c.2051G>T on transcript NM_032043.3 (MANE Select); coding-DNA position 2051, G replaced by T.
Protein change: p.Cys684Phe; replaces cysteine 684 with phenylalanine.
Molecular consequence: missense variant.
Genome position (GRCh38, 1-based): chr17:61,776,447, C>A on the plus strand (G>T on the coding strand, the complement: BRIP1 is on the minus strand). VCF-style: chr17-61776447-C-A. GRCh37 (hg19) VCF-style: chr17-59853808-C-A.
Other names: short protein forms C684F.
Identifiers: ClinVar variation 1059593 (VCV001059593.10), dbSNP rs2145028133, ClinGen allele CA400478168.
Genomic context (GRCh38, chr17:61,776,447, plus strand): 5'-AAATATTCCCTTACCTTGTAAGATGGCAAGAAACACAAAATTCCTTGGCTCACAGTCTGG[C>A]ACACAGATAACAAAAGTGCTCCCACTTCATCTTGGAACTCAAATGTTTCAGTATTCTGGA-3'
Protein context (NP_114432.2, residues 674-694): DEVGALLLSV[Cys684Phe]QTVSQGILCF